The following is an entry in ClinVar:

NM_000238.4(KCNH2):c.166C>T (p.Arg56Trp)

Gene: KCNH2 (potassium voltage-gated channel subfamily H member 2; minus strand). Cytogenetic location: 7q36.1.
Variant type: single nucleotide variant.
Coding change: c.166C>T on transcript NM_000238.4 (MANE Select); coding-DNA position 166, C replaced by T.
Protein change: p.Arg56Trp; replaces arginine 56 with tryptophan.
Molecular consequence: missense variant. On other transcripts: 5 prime UTR variant (1), non-coding transcript variant (1).
Genome position (GRCh38, 1-based): chr7:150,974,852, G>A on the plus strand (C>T on the coding strand, the complement: KCNH2 is on the minus strand). VCF-style: chr7-150974852-G-A. GRCh37 (hg19) VCF-style: chr7-150671940-G-A.
Other names: c.-12C>T (NM_001406755.1); c.166C>T, p.Arg56Trp (NM_172056.3); short protein forms R56W.
Identifiers: ClinVar variation 3383250 (VCV003383250.2).

ClinVar aggregate classification (germline): Likely pathogenic (1 of 4 stars; one submission).

Conditions:
Long QT syndrome 2 (LQT2). Identifiers: Orphanet 101016, Orphanet 768, MedGen C3150943, MONDO:0013367, OMIM 613688.

Submission:

Clinical Genetics Laboratory, Region Ostergotland
Classification: Likely pathogenic for Long QT syndrome 2. Last evaluated: 2024-10-25. Review status: criteria provided, single submitter. Criteria: ACMG Guidelines, 2015. Collection method: clinical testing. Allele origin: germline. Affected: yes.
Comment: The following ACMG criteria were applied in classifying this variant: PS3_mod, PM1, PM2, PM5, PP3